The following is an entry in ClinVar:

ClinVar aggregate classification (germline): Uncertain significance (1 of 4 stars; one submission).

Conditions:
Brugada syndrome 8 (BRGDA8). Identifiers: Orphanet 130, MedGen C2751083, MONDO:0013148, OMIM 613123.

Submission:

Labcorp Genetics (formerly Invitae), Labcorp
Classification: Uncertain significance for Brugada syndrome 8. Last evaluated: 2022-03-28. Review status: criteria provided, single submitter. Criteria: Invitae Variant Classification Sherloc (09022015). Collection method: clinical testing. Allele origin: germline.
Comment: In summary, the available evidence is currently insufficient to determine the role of this variant in disease. Therefore, it has been classified as a Variant of Uncertain Significance. Advanced modeling of protein sequence and biophysical properties (such as structural, functional, and spatial information, amino acid conservation, physicochemical variation, residue mobility, and thermodynamic stability) performed at Invitae indicates that this missense variant is not expected to disrupt HCN4 protein function. This variant has not been reported in the literature in individuals affected with HCN4-related conditions. This variant is not present in population databases (gnomAD no frequency). This sequence change replaces glutamine, which is neutral and polar, with arginine, which is basic and polar, at codon 210 of the HCN4 protein (p.Gln210Arg).

NM_005477.3(HCN4):c.629A>G (p.Gln210Arg)

Gene: HCN4 (hyperpolarization activated cyclic nucleotide gated potassium channel 4; minus strand). Cytogenetic location: 15q24.1.
Variant type: single nucleotide variant.
Coding change: c.629A>G on transcript NM_005477.3 (MANE Select); coding-DNA position 629, A replaced by G.
Protein change: p.Gln210Arg; replaces glutamine 210 with arginine.
Molecular consequence: missense variant.
Genome position (GRCh38, 1-based): chr15:73,367,642, T>C on the plus strand (A>G on the coding strand, the complement: HCN4 is on the minus strand). VCF-style: chr15-73367642-T-C. GRCh37 (hg19) VCF-style: chr15-73659983-T-C.
Other names: short protein forms Q210R.
Identifiers: ClinVar variation 2118673 (VCV002118673.4), dbSNP rs2549080173, ClinGen allele CA393097426.
Genomic context (GRCh38, chr15:73,367,642, plus strand): 5'-GAGAATTTGTTGACCCCGGGTTGGAGCATGGCCCCGAACTGGCGCTGCATGAAGCCGGCC[T>C]GGCCCAGGCGCACCTCGGCCTCCGGGAGGATCTGGTCGCCGGCAGCCGCGCCTCCCTCCA-3'
Protein context (NP_005468.1, residues 200-220): ILPEAEVRLG[Gln210Arg]AGFMQRQFGA